The following is an entry in ClinVar:

ClinVar aggregate classification (germline): Conflicting classifications of pathogenicity. Review status: criteria provided, conflicting classifications (1 of 4 stars). 6 submissions from 6 submitters: Uncertain significance (3); Benign (2); Likely benign (1). Last evaluated 2026-01-27.

Conditions:
Autosomal recessive early-onset Parkinson disease 6 (PARK6). Also called: PINK1-Related Parkinson Disease; PARKINSON DISEASE 6, MODIFIER OF; PINK1 Type of Young-Onset Parkinson Disease; PARKINSON DISEASE 6, EARLY-ONSET. Identifiers: Orphanet 2828, MedGen C1853833, MONDO:0011613, OMIM 605909.

Allele frequency attached by ClinVar (database versions not stated): gnomAD exomes 0.00015 and 0.00027; gnomAD 0.00019; TOPMed 0.00021; ExAC 0.00022; ESP Exome Variant Server 0.00031.
gnomAD v4.1: 266 of 1,614,090 alleles (0.016%); highest among the groups gnomAD compares: Non-Finnish European, 0.005%; no homozygotes.

Submissions (6):

Labcorp Genetics (formerly Invitae), Labcorp
Classification: Benign for Autosomal recessive early-onset Parkinson disease 6. Last evaluated: 2026-01-27. Review status: criteria provided, single submitter. Criteria: Invitae Variant Classification Sherloc (09022015). Collection method: clinical testing. Allele origin: germline.

Mayo Clinic Laboratories, Mayo Clinic
Classification: Likely benign. Last evaluated: 2025-06-09. Review status: criteria provided, single submitter. Criteria: ACMG Guidelines, 2015. Collection method: clinical testing. Allele origin: germline. Observed: 2 variant alleles.
Comment: BP4, BP7

Illumina Laboratory Services, Illumina
Classification: Uncertain significance for Autosomal recessive early-onset Parkinson disease 6. Last evaluated: 2018-01-13. Review status: criteria provided, single submitter. Criteria: ICSL Variant Classification Criteria 13 December 2019. Collection method: clinical testing. Allele origin: germline.

Athena Diagnostics
Classification: Benign. Last evaluated: 2017-10-19. Review status: criteria provided, single submitter. Criteria: Athena Diagnostics Criteria. Collection method: clinical testing. Allele origin: germline.

CeGaT Center for Human Genetics Tuebingen
Classification: Uncertain significance. Last evaluated: 2017-02-01. Review status: criteria provided, single submitter. Criteria: CeGaT Center For Human Genetics Tuebingen Variant Classification Criteria Version 2. Collection method: clinical testing. Allele origin: germline. Affected: yes. Observed: 1 variant allele.

Eurofins Ntd Llc (ga)
Classification: Uncertain significance. Last evaluated: 2016-08-01. Review status: criteria provided, single submitter. Criteria: EGL Classification Definitions 2015. Collection method: clinical testing. Allele origin: germline. Observed: 1 variant allele, 1 heterozygote.

NM_032409.3(PINK1):c.858G>A (p.Pro286=)

Genes: PINK1 (PTEN induced kinase 1; plus strand), PINK1-AS (PINK1 antisense RNA; minus strand). Cytogenetic location: 1p36.12.
Variant type: single nucleotide variant.
Coding change: c.858G>A on transcript NM_032409.3 (MANE Select); coding-DNA position 858, G replaced by A.
Protein change: p.Pro286=; no amino-acid change (proline 286 retained).
Molecular consequence: synonymous variant.
Genome position (GRCh38, 1-based): chr1:20,644,571, G>A. VCF-style: chr1-20644571-G-A. GRCh37 (hg19) VCF-style: chr1-20971064-G-A.
Other names: p.Pro286=.
Identifiers: ClinVar variation 289332 (VCV000289332.63), dbSNP rs148144773, ClinGen allele CA660561.